The following is an entry in ClinVar:

ClinVar aggregate classification (germline): Pathogenic (1 of 4 stars; one submission).

Conditions:
Niemann-Pick disease, type C1. Also called: NEUROVISCERAL STORAGE DISEASE WITH VERTICAL SUPRANUCLEAR OPHTHALMOPLEGIA; NIEMANN-PICK DISEASE WITH CHOLESTEROL ESTERIFICATION BLOCK; NIEMANN-PICK DISEASE WITHOUT SPHINGOMYELINASE DEFICIENCY; NIEMANN-PICK DISEASE, CHRONIC NEURONOPATHIC FORM; NIEMANN-PICK DISEASE, VARIANT TYPE C1. Identifiers: Orphanet 646, MedGen C3179455, MONDO:0009757, OMIM 257220.

Submission:

Labcorp Genetics (formerly Invitae), Labcorp
Classification: Pathogenic for Niemann-Pick disease, type C1. Last evaluated: 2021-04-08. Review status: criteria provided, single submitter. Criteria: Invitae Variant Classification Sherloc (09022015). Collection method: clinical testing. Allele origin: germline.
Comment: This sequence change creates a premature translational stop signal (p.Ser473Phefs*4) in the NPC1 gene. It is expected to result in an absent or disrupted protein product. Loss-of-function variants in NPC1 are known to be pathogenic (PMID: 9211850). This variant is not present in population databases (ExAC no frequency). This variant has not been reported in the literature in individuals with NPC1-related conditions. For these reasons, this variant has been classified as Pathogenic.

Literature cited by the submitters: PubMed 9211850.

NM_000271.5(NPC1):c.1417dup (p.Ser473fs)

Gene: NPC1 (NPC intracellular cholesterol transporter 1; minus strand). Cytogenetic location: 18q11.2.
Variant type: Duplication.
Coding change: c.1417dup on transcript NM_000271.5 (MANE Select); coding-DNA position 1417, one base duplicated (T; older notation c.1417dupT).
Protein change: p.Ser473fs; shifts the reading frame from serine 473.
Molecular consequence: frameshift variant.
Genome position (GRCh38, 1-based): chr18:23,554,894, A duplicated on the plus strand (T on the coding strand, the reverse complement: NPC1 is on the minus strand); the first of 3 consecutive A bases (chr18:23,554,894-23,554,896); duplicating any one gives the same sequence. VCF-style (leftmost placement, unchanged base first): chr18-23554893-G-GA. GRCh37 (hg19) VCF-style: chr18-21134857-G-GA.
Other names: short protein forms S473fs.
Identifiers: ClinVar variation 1352436 (VCV001352436.6), dbSNP rs2145447827, ClinGen allele CA1139770872.
Genomic context (GRCh38, chr18:23,554,893, plus strand): 5'-GAATGGCTGTTCTGGAAGTAATTTAACACACTCAAAATGGTGCAGTTCGTGTTATACGGT[G>GA]AAAGAGGGGCCAAGCAGATGTCTTGAAGTGTCACAGTCTCATTGTCATAAGAGGCAGTAA-3'